The following is an entry in ClinVar:

ClinVar aggregate classification (germline): Conflicting classifications of pathogenicity. Review status: criteria provided, conflicting classifications (1 of 4 stars). 4 submissions from 4 submitters: Uncertain significance (1); Benign (1); Likely benign (1). 1 of the submissions does not count toward it. Last evaluated 2026-09-24.

Conditions:
GRM1-related disorder. Also called: GRM1-related condition.

Allele frequency attached by ClinVar (database versions not stated): gnomAD 0.00055 and 0.00056; TOPMed 0.00062; gnomAD exomes 0.00087 and 0.00043; ESP Exome Variant Server 0.00115; ExAC 0.00080.
gnomAD v4.1: 779 of 1,613,964 alleles (0.048%); highest among the groups gnomAD compares: Non-Finnish European, 0.011%; 9 homozygotes.

Submissions (5):

GeneDx
Classification: Uncertain significance. Last evaluated: 2026-09-24. Review status: criteria provided, single submitter. Criteria: GeneDx Variant Classification Process June 2021. Collection method: clinical testing. Allele origin: germline.
Comment: In silico analysis supports that this missense variant has a deleterious effect on protein structure/function; Has not been previously published as pathogenic or benign to our knowledge; This variant is associated with the following publications: (PMID: 23376243)

Labcorp Genetics (formerly Invitae), Labcorp
Classification: Likely benign. Last evaluated: 2025-11-24. Review status: criteria provided, single submitter. Criteria: Invitae Variant Classification Sherloc (09022015). Collection method: clinical testing. Allele origin: germline.

Mayo Clinic Laboratories, Mayo Clinic
Classification: Benign. Last evaluated: 2025-08-06. Review status: criteria provided, single submitter. Criteria: ACMG Guidelines, 2015. Collection method: clinical testing. Allele origin: germline. Observed: 1 variant allele.
Comment: BA1, BS2, PP3

PreventionGenetics, part of Exact Sciences
Classification: Benign for GRM1-related condition. Last evaluated: 2019-07-15. Review status: no assertion criteria provided. Collection method: clinical testing. Allele origin: germline. Not counted in ClinVar's aggregate classification.
Comment: This variant is classified as benign based on ACMG/AMP sequence variant interpretation guidelines (Richards et al. 2015 PMID: 25741868, with internal and published modifications).

Dr. Peter K. Rogan Lab, Western University
No classification provided (evidence only). Condition: Ovarian serous cystadenocarcinoma. Review status: no classification provided. Collection method: in vitro. Allele origin: not applicable. Functional consequence: retained intron. Not counted in ClinVar's aggregate classification.

Literature cited by the submitters: PubMed 23376243 (cited by Mayo Clinic Laboratories, Mayo Clinic).

NM_001278064.2(GRM1):c.2581G>A (p.Gly861Ser)

Gene: GRM1 (glutamate metabotropic receptor 1; plus strand). Cytogenetic location: 6q24.3.
Variant type: single nucleotide variant.
Coding change: c.2581G>A on transcript NM_001278064.2 (MANE Select); coding-DNA position 2581, G replaced by A.
Protein change: p.Gly861Ser; replaces glycine 861 with serine.
Molecular consequence: missense variant.
Genome position (GRCh38, 1-based): chr6:146,399,620, G>A. VCF-style: chr6-146399620-G-A. GRCh37 (hg19) VCF-style: chr6-146720756-G-A.
Other names: p.Gly861Ser; c.2581G>A, p.Gly861Ser (NM_001278065.2, NM_001278066.1, NM_001278067.1); short protein forms G861S.
Identifiers: ClinVar variation 722483 (VCV000722483.12), dbSNP rs143544032, ClinGen allele CA4037461.